The following is an entry in ClinVar:

ClinVar aggregate classification (germline): Conflicting classifications of pathogenicity. Review status: criteria provided, conflicting classifications (1 of 4 stars). 7 submissions from 7 submitters: Uncertain significance (6); Benign (1). Last evaluated 2024-10-09.

Conditions:
Hereditary factor XIII deficiency disease. Also called: Fibrin stabilizing factor deficiency; Congenital factor XIII deficiency. Identifiers: Orphanet 331, MedGen C0015530, MeSH D005177, MONDO:0018029.
Factor XIII, b subunit, deficiency of. Also called: Factor XIII subunit B deficiency. Identifiers: Orphanet 331, MedGen C2750481, MONDO:0013190, OMIM 613235, HP:0040234.

Allele frequency attached by ClinVar (database versions not stated): 1000 Genomes Project 0.00040; 1000 Genomes Project 30x 0.00047; TOPMed 0.00148; ExAC 0.00162; gnomAD 0.00169 and 0.00175; ESP Exome Variant Server 0.00215.
gnomAD v4.1: 3,729 of 1,613,448 alleles (0.23%); highest among the groups gnomAD compares: Non-Finnish European, 0.28%; 9 homozygotes.

Submissions (7):

Women's Health and Genetics/Laboratory Corporation of America, LabCorp
Classification: Uncertain significance. Last evaluated: 2024-10-09. Review status: criteria provided, single submitter. Criteria: LabCorp Variant Classification Summary - May 2015. Collection method: clinical testing. Allele origin: germline.
Comment: Variant summary: F13B c.1163A>T (p.Glu388Val) results in a non-conservative amino acid change located in the Sushi/SCR/CCP domain of the encoded protein sequence. Three of five in-silico tools predict a benign effect of the variant on protein function. The variant allele was found at a frequency of 0.0016 in 250524 control chromosomes in the gnomAD database, including 1 homozygote. c.1163A>T has been reported in the literature in individuals affected with deep vein thrombosis and suspected bleeding disorder, without strong evidence for causality (Lotta_2012, Morin_2014, Leinoe_2017, Ferrari_2018). These reports do not provide unequivocal conclusions about association of the variant with Deficiency Of Factor XIII, B Subunit. To our knowledge, no experimental evidence demonstrating an impact on protein function has been reported. The following publications have been ascertained in the context of this evaluation (PMID: 28399723, 28748566, 22353194, 25044882). ClinVar contains an entry for this variant (Variation ID: 294576). Based on the evidence outlined above, the variant was classified as uncertain significance.

CeGaT Center for Human Genetics Tuebingen
Classification: Benign. Last evaluated: 2024-09-01. Review status: criteria provided, single submitter. Criteria: CeGaT Center For Human Genetics Tuebingen Variant Classification Criteria Version 2. Collection method: clinical testing. Allele origin: germline. Affected: yes. Observed: 1 variant allele.
Comment: F13B: BP4, BS1, BS2

GeneDx
Classification: Uncertain significance. Last evaluated: 2024-02-24. Review status: criteria provided, single submitter. Criteria: GeneDx Variant Classification Process June 2021. Collection method: clinical testing. Allele origin: germline. Affected: yes.
Comment: In silico analysis supports that this missense variant does not alter protein structure/function; This variant is associated with the following publications: (PMID: 22353194)

Fulgent Genetics
Classification: Uncertain significance for Factor XIII, b subunit, deficiency of. Last evaluated: 2022-04-08. Review status: criteria provided, single submitter. Criteria: ACMG Guidelines, 2015. Collection method: clinical testing. Allele origin: unknown.

Knight Diagnostic Laboratories, Oregon Health and Sciences University
Classification: Uncertain significance for Factor XIII deficiency. Last evaluated: 2019-08-06. Review status: criteria provided, single submitter. Criteria: ACMG Guidelines, 2015. Collection method: clinical testing. Allele origin: germline. Observed: 1 variant allele.

Illumina Laboratory Services, Illumina
Classification: Uncertain significance for Factor XIII, b subunit, deficiency of. Last evaluated: 2018-01-13. Review status: criteria provided, single submitter. Criteria: ICSL Variant Classification Criteria 13 December 2019. Collection method: clinical testing. Allele origin: germline.

Breakthrough Genomics
Classification: Uncertain significance. Review status: criteria provided, single submitter. Criteria: ACMG Guidelines, 2015. Collection method: not provided. Allele origin: germline. Inheritance: Autosomal recessive inheritance. Affected: yes.

Literature cited by the submitters: PubMed 28748566 (cited by Women's Health and Genetics/Laboratory Corporation of America, LabCorp); PubMed 28399723 (cited by Women's Health and Genetics/Laboratory Corporation of America, LabCorp); PubMed 22353194 (cited by Women's Health and Genetics/Laboratory Corporation of America, LabCorp); PubMed 25044882 (cited by Women's Health and Genetics/Laboratory Corporation of America, LabCorp).

NM_001994.3(F13B):c.1163A>T (p.Glu388Val)

Gene: F13B (coagulation factor XIII B chain; minus strand). Cytogenetic location: 1q31.3.
Variant type: single nucleotide variant.
Coding change: c.1163A>T on transcript NM_001994.3 (MANE Select); coding-DNA position 1163, A replaced by T.
Protein change: p.Glu388Val; replaces glutamic acid 388 with valine.
Molecular consequence: missense variant.
Genome position (GRCh38, 1-based): chr1:197,057,021, T>A on the plus strand (A>T on the coding strand, the complement: F13B is on the minus strand). VCF-style: chr1-197057021-T-A. GRCh37 (hg19) VCF-style: chr1-197026151-T-A.
Other names: short protein forms E388V.
Identifiers: ClinVar variation 294576 (VCV000294576.28), dbSNP rs5991, ClinGen allele CA1308400.
Genomic context (GRCh38, chr1:197,057,021, plus strand): 5'-GAAAATTTTACACCATAAGTTTAGCTACTGATGGTAAATGTAGCATACATACCAACACAC[T>A]CAGGAGGAAGTGTCCATTTTCCACGATTACAAGTTATCTCATTCGATCCATGGAGAAGGT-3'
Protein context (NP_001985.2, residues 378-398): CNRGKWTLPP[Glu388Val]CVENNENCKH